The following is an entry in ClinVar:

ClinVar aggregate classification (germline): Uncertain significance. Review status: criteria provided, multiple submitters, no conflicts (2 of 4 stars). 4 submissions from 4 submitters: Uncertain significance (4). Last evaluated 2025-12-01.

Conditions:
Emery-Dreifuss muscular dystrophy 4, autosomal dominant (EDMD4). Also called: EMERY-DREIFUSS MUSCULAR DYSTROPHY 4 WITH VARIABLE FEATURES. Identifiers: Orphanet 261, MedGen C2751807, MONDO:0013071, OMIM 612998.
Autosomal recessive ataxia, Beauce type. Also called: Spinocerebellar ataxia, autosomal recessive 8; SYNE1-Related Autosomal Recessive Cerebellar Ataxia; SYNE1 Deficiency; ATAXIA, RECESSIVE, OF BEAUCE. Identifiers: Orphanet 88644, MedGen C1853116, MONDO:0012549, OMIM 610743.

Allele frequency attached by ClinVar (database versions not stated): TOPMed 0.00002; gnomAD 0.00001; gnomAD exomes 0.00001.
gnomAD v4.1: 16 of 1,613,744 alleles (0.00099%); highest among the groups gnomAD compares: South Asian, 0.0022%; no homozygotes.

Submissions (4):

GeneDx
Classification: Uncertain significance. Last evaluated: 2025-12-01. Review status: criteria provided, single submitter. Criteria: GeneDx Variant Classification Process June 2021. Collection method: clinical testing. Allele origin: germline.
Comment: Not observed at significant frequency in large population cohorts (gnomAD); In silico analysis supports that this missense variant has a deleterious effect on protein structure/function; In silico analysis suggests this variant may impact gene splicing. In the absence of RNA/functional studies, the actual effect of this sequence change is unknown.; Has not been previously published as pathogenic or benign to our knowledge

Athena Diagnostics
Classification: Uncertain significance. Last evaluated: 2025-06-12. Review status: criteria provided, single submitter. Criteria: Athena Diagnostics Criteria. Collection method: clinical testing. Allele origin: unknown.
Comment: Available data are insufficient to determine the clinical significance of the variant at this time. The frequency of this variant in the general population is uninformative in assessment of its pathogenicity. Polyphen and MutationTaster yielded discordant predictions regarding whether this amino acid change is damaging to the protein.

Labcorp Genetics (formerly Invitae), Labcorp
Classification: Uncertain significance for Emery-Dreifuss muscular dystrophy 4, autosomal dominant; Autosomal recessive ataxia, Beauce type. Last evaluated: 2023-05-29. Review status: criteria provided, single submitter. Criteria: Invitae Variant Classification Sherloc (09022015). Collection method: clinical testing. Allele origin: germline.
Comment: Algorithms developed to predict the effect of sequence changes on RNA splicing suggest that this variant may create or strengthen a splice site. An algorithm developed to predict the effect of missense changes on protein structure and function (PolyPhen-2) suggests that this variant is likely to be disruptive. ClinVar contains an entry for this variant (Variation ID: 289086). This variant has not been reported in the literature in individuals affected with SYNE1-related conditions. This variant is not present in population databases (gnomAD no frequency). This sequence change replaces arginine, which is basic and polar, with glutamine, which is neutral and polar, at codon 7545 of the SYNE1 protein (p.Arg7545Gln). In summary, the available evidence is currently insufficient to determine the role of this variant in disease. Therefore, it has been classified as a Variant of Uncertain Significance.

Eurofins Ntd Llc (ga)
Classification: Uncertain significance. Last evaluated: 2016-07-08. Review status: criteria provided, single submitter. Criteria: EGL Classification Definitions 2015. Collection method: clinical testing. Allele origin: germline. Observed: 1 variant allele, 1 heterozygote.

NM_182961.4(SYNE1):c.22847G>A (p.Arg7616Gln)

Gene: SYNE1 (spectrin repeat containing nuclear envelope protein 1; minus strand). Cytogenetic location: 6q25.2.
Variant type: single nucleotide variant.
Coding change: c.22847G>A on transcript NM_182961.4 (MANE Select); coding-DNA position 22847, G replaced by A.
Protein change: p.Arg7616Gln; replaces arginine 7616 with glutamine.
Molecular consequence: missense variant.
Genome position (GRCh38, 1-based): chr6:152,206,340, C>T on the plus strand (G>A on the coding strand, the complement: SYNE1 is on the minus strand). VCF-style: chr6-152206340-C-T. GRCh37 (hg19) VCF-style: chr6-152527475-C-T.
Other names: c.22634G>A, p.Arg7545Gln (NM_033071.5); c.22847G>A (NM_182961.2); c.22634G>A (NM_033071.3); short protein forms R7545Q, R7616Q.
Identifiers: ClinVar variation 289086 (VCV000289086.11), dbSNP rs780964504, ClinGen allele CA10606323.